The following is an entry in ClinVar:

NM_007098.4(CLTCL1):c.2071G>A (p.Glu691Lys)

Gene: CLTCL1 (clathrin heavy chain like 1; minus strand). Cytogenetic location: 22q11.21.
Variant type: single nucleotide variant.
Coding change: c.2071G>A on transcript NM_007098.4 (MANE Select); coding-DNA position 2071, G replaced by A.
Protein change: p.Glu691Lys; replaces glutamic acid 691 with lysine.
Molecular consequence: missense variant.
Genome position (GRCh38, 1-based): chr22:19,225,510, C>T on the plus strand (G>A on the coding strand, the complement: CLTCL1 is on the minus strand). VCF-style: chr22-19225510-C-T. GRCh37 (hg19) VCF-style: chr22-19213033-C-T.
Other names: p.Glu691Lys; c.2071G>A, p.Glu691Lys (NM_001835.4); short protein forms E691K.
Identifiers: ClinVar variation 3044433 (VCV003044433.3), dbSNP rs1060374, ClinGen allele CA10098485.

ClinVar aggregate classification (germline): Benign. Review status: criteria provided, single submitter (1 of 4 stars). 2 submissions from 2 submitters: Benign (1). 1 of the submissions does not count toward it. Last evaluated 2022-03-24.

Conditions:
CLTCL1-related disorder. Also called: CLTCL1-related condition.

Allele frequency attached by ClinVar (database versions not stated): gnomAD exomes 0.00464; gnomAD 0.04939; ESP Exome Variant Server 0.05099; TOPMed 0.05519; 1000 Genomes Project 0.05691; ExAC 0.02909; 1000 Genomes Project 30x 0.06246.
gnomAD v4.1: 14,549 of 1,587,318 alleles (0.92%); highest among the groups gnomAD compares: African/African-American, 17%; 1,113 homozygotes.

Submissions (2):

Mayo Clinic Laboratories, Mayo Clinic
Classification: Benign. Last evaluated: 2022-03-24. Review status: criteria provided, single submitter. Criteria: ACMG Guidelines, 2015. Collection method: clinical testing. Allele origin: germline. Observed: 19 variant alleles.

PreventionGenetics, part of Exact Sciences
Classification: Benign for CLTCL1-related condition. Last evaluated: 2020-01-28. Review status: no assertion criteria provided. Collection method: clinical testing. Allele origin: germline. Not counted in ClinVar's aggregate classification.
Comment: This variant is classified as benign based on ACMG/AMP sequence variant interpretation guidelines (Richards et al. 2015 PMID: 25741868, with internal and published modifications).